The following is an entry in ClinVar:

NM_173477.5(USH1G):c.1346C>G (p.Ala449Gly)

Gene: USH1G (USH1 protein network component sans; minus strand). Cytogenetic location: 17q25.1.
Variant type: single nucleotide variant.
Coding change: c.1346C>G on transcript NM_173477.5 (MANE Select); coding-DNA position 1346, C replaced by G.
Protein change: p.Ala449Gly; replaces alanine 449 with glycine.
Molecular consequence: missense variant.
Genome position (GRCh38, 1-based): chr17:74,919,490, G>C on the plus strand (C>G on the coding strand, the complement: USH1G is on the minus strand). VCF-style: chr17-74919490-G-C. GRCh37 (hg19) VCF-style: chr17-72915585-G-C.
Other names: c.1037C>G, p.Ala346Gly (NM_001282489.3); short protein forms A449G, A346G.
Identifiers: ClinVar variation 1378486 (VCV001378486.7), dbSNP rs971548417, ClinGen allele CA293983381.

ClinVar aggregate classification (germline): Uncertain significance (1 of 4 stars; one submission).

Allele frequency attached by ClinVar (database versions not stated): gnomAD exomes 0.00001; gnomAD 0.00003 and 0.00004; TOPMed 0.00003.
gnomAD v4.1: 8 of 1,608,686 alleles (0.0005%); highest among the groups gnomAD compares: African/African-American, 0.0094%; no homozygotes.

Submission:

Labcorp Genetics (formerly Invitae), Labcorp
Classification: Uncertain significance. Last evaluated: 2023-11-27. Review status: criteria provided, single submitter. Criteria: Invitae Variant Classification Sherloc (09022015). Collection method: clinical testing. Allele origin: germline.
Comment: This sequence change replaces alanine, which is neutral and non-polar, with glycine, which is neutral and non-polar, at codon 449 of the USH1G protein (p.Ala449Gly). This variant is present in population databases (no rsID available, gnomAD 0.007%). This variant has not been reported in the literature in individuals affected with USH1G-related conditions. ClinVar contains an entry for this variant (Variation ID: 1378486). Advanced modeling of protein sequence and biophysical properties (such as structural, functional, and spatial information, amino acid conservation, physicochemical variation, residue mobility, and thermodynamic stability) performed at Invitae indicates that this missense variant is not expected to disrupt USH1G protein function with a negative predictive value of 80%. In summary, the available evidence is currently insufficient to determine the role of this variant in disease. Therefore, it has been classified as a Variant of Uncertain Significance.